The following is an entry in ClinVar:

NM_004370.6(COL12A1):c.8276G>A (p.Gly2759Asp)

Gene: COL12A1 (collagen type XII alpha 1 chain; minus strand). Cytogenetic location: 6q13.
Variant type: single nucleotide variant.
Coding change: c.8276G>A on transcript NM_004370.6 (MANE Select); coding-DNA position 8276, G replaced by A.
Protein change: p.Gly2759Asp; replaces glycine 2759 with aspartic acid.
Molecular consequence: missense variant.
Genome position (GRCh38, 1-based): chr6:75,103,800, C>T on the plus strand (G>A on the coding strand, the complement: COL12A1 is on the minus strand). VCF-style: chr6-75103800-C-T. GRCh37 (hg19) VCF-style: chr6-75813516-C-T.
Other names: c.4784G>A, p.Gly1595Asp (NM_080645.3); short protein forms G2759D, G1595D.
Identifiers: ClinVar variation 475898 (VCV000475898.12), dbSNP rs1554168599, ClinGen allele CA364740195.

ClinVar aggregate classification (germline): Uncertain significance (1 of 4 stars; one submission).

Conditions:
Ullrich congenital muscular dystrophy 2 (UCMD2). Identifiers: Orphanet 75840, MedGen C4225314, MONDO:0014654, OMIM 616470.
Bethlem myopathy 2 (BTHLM2). Identifiers: Orphanet 536516, Orphanet 610, MedGen C4225313, MONDO:0034022, OMIM 616471.

Submission:

Labcorp Genetics (formerly Invitae), Labcorp
Classification: Uncertain significance for Bethlem myopathy 2; Ullrich congenital muscular dystrophy 2. Last evaluated: 2019-07-04. Review status: criteria provided, single submitter. Criteria: Invitae Variant Classification Sherloc (09022015). Collection method: clinical testing. Allele origin: germline.
Comment: Algorithms developed to predict the effect of missense changes on protein structure and function do not agree on the potential impact of this missense change (SIFT: "Deleterious"; PolyPhen-2: "Probably Damaging"; Align-GVGD: "Class C0"). This variant is not present in population databases (ExAC no frequency) and has not been reported in the literature in individuals with a COL12A1-related disease. This sequence change replaces glycine with aspartic acid at codon 2759 of the COL12A1 protein (p.Gly2759Asp). The glycine residue is highly conserved and there is a moderate physicochemical difference between glycine and aspartic acid. Glycine residues within the Gly-Xaa-Yaa repeats of the triple helix domain are required for the structure and stability of fibrillar collagens (PMID: 7695699, 8218237, 19344236), and missense variants at these glycine residues in COL12A1 are more frequently observed in individuals with disease than in the general population (PMID: 10612821). However, the clinical significance of this observation remains uncertain since only a limited number of affected individuals have been described to date. In summary, this variant is a novel missense change affecting a residue that is critical for protein structure, stability and function. However, the available evidence is currently insufficient to determine its role in disease. Therefore, it has been classified as a Variant of Uncertain Significance.

Literature cited by the submitters: PubMed 7695699; PubMed 8218237; PubMed 19344236; PubMed 10612821.